The following is an entry in ClinVar:

NM_000080.4(CHRNE):c.601G>T (p.Glu201Ter)

Genes: C17orf107 (chromosome 17 open reading frame 107; plus strand), CHRNE (cholinergic receptor nicotinic epsilon subunit; minus strand). Cytogenetic location: 17p13.2.
Variant type: single nucleotide variant.
Coding change: c.601G>T on transcript NM_000080.4 (MANE Select); coding-DNA position 601, G replaced by T.
Protein change: p.Glu201Ter; replaces glutamic acid 201 with a stop codon.
Molecular consequence: nonsense. On other transcripts: 3 prime UTR variant (1).
Genome position (GRCh38, 1-based): chr17:4,901,525, C>A on the plus strand (G>T on the coding strand, the complement: CHRNE is on the minus strand). VCF-style: chr17-4901525-C-A. GRCh37 (hg19) VCF-style: chr17-4804820-C-A.
Other names: c.*992C>A (NM_001145536.2); short protein forms E201*.
Identifiers: ClinVar variation 5014295 (VCV005014295.1).

ClinVar aggregate classification (germline): Pathogenic (1 of 4 stars; one submission).

Conditions:
Congenital myasthenic syndrome (CMS). Also called: Congenital Myasthenic Syndromes. Identifiers: Orphanet 590, MedGen C0751882, MeSH D020294, MONDO:0018940.

Submission:

Myriad Genetics, Inc.
Classification: Pathogenic for Congenital myasthenic syndrome. Last evaluated: 2025-04-03. Review status: criteria provided, single submitter. Criteria: Myriad Autosomal Dominant, Autosomal Recessive and X-Linked Classification Criteria (2023). Collection method: clinical testing. Allele origin: unknown.
Comment: NM_000080.3(CHRNE):c.601G>T(E201*) is expected to be pathogenic in the context of congenital myasthenic syndrome, CHRNE-related. This variant is predicted to lead to an abnormal or absent protein product due to the creation of a premature termination codon in CHRNE, a gene where loss-of-function variants are known to be pathogenic. Please note: this variant was assessed in the context of healthy population screening.